The following is an entry in ClinVar:

NM_000275.3(OCA2):c.1531C>G (p.His511Asp)

Gene: OCA2 (OCA2 melanosomal transmembrane protein; minus strand). Cytogenetic location: 15q13.1.
Variant type: single nucleotide variant.
Coding change: c.1531C>G on transcript NM_000275.3 (MANE Select); coding-DNA position 1531, C replaced by G.
Protein change: p.His511Asp; replaces histidine 511 with aspartic acid.
Molecular consequence: missense variant.
Genome position (GRCh38, 1-based): chr15:27,966,795, G>C on the plus strand (C>G on the coding strand, the complement: OCA2 is on the minus strand). VCF-style: chr15-27966795-G-C. GRCh37 (hg19) VCF-style: chr15-28211941-G-C.
Other names: c.1459C>G, p.His487Asp (NM_001300984.2); short protein forms H487D, H511D.
Identifiers: ClinVar variation 3613476 (VCV003613476.2).

ClinVar aggregate classification (germline): Uncertain significance (1 of 4 stars; one submission).

Submission:

Labcorp Genetics (formerly Invitae), Labcorp
Classification: Uncertain significance. Last evaluated: 2024-08-31. Review status: criteria provided, single submitter. Criteria: Invitae Variant Classification Sherloc (09022015). Collection method: clinical testing. Allele origin: germline.
Comment: This sequence change replaces histidine, which is basic and polar, with aspartic acid, which is acidic and polar, at codon 511 of the OCA2 protein (p.His511Asp). This variant is not present in population databases (gnomAD no frequency). This variant has not been reported in the literature in individuals affected with OCA2-related conditions. Invitae Evidence Modeling of protein sequence and biophysical properties (such as structural, functional, and spatial information, amino acid conservation, physicochemical variation, residue mobility, and thermodynamic stability) indicates that this missense variant is expected to disrupt OCA2 protein function with a positive predictive value of 80%. In summary, the available evidence is currently insufficient to determine the role of this variant in disease. Therefore, it has been classified as a Variant of Uncertain Significance.